The following is an entry in ClinVar:

NM_006079.5(CITED2):c.574_579del (p.Ser192_Gly193del)

Genes: CITED2 (Cbp/p300 interacting transactivator with Glu/Asp rich carboxy-terminal domain 2; minus strand), LOC129997307 (ATAC-STARR-seq lymphoblastoid silent region 17609; plus strand). Cytogenetic location: 6q24.1.
Variant type: Deletion.
Coding change: c.574_579del on transcript NM_006079.5 (MANE Select); coding-DNA positions 574 to 579, 6 bases deleted (AGCGGC; older notation c.574_579delAGCGGC).
Protein change: p.Ser192_Gly193del.
Molecular consequence: inframe deletion.
Genome position (GRCh38, 1-based): chr6:139,373,366-139,373,371, GCCGCT deleted on the plus strand (AGCGGC on the coding strand, the reverse complement: CITED2 is on the minus strand); deleting any 6 consecutive bases within chr6:139,373,366-139,373,372 gives the same sequence; the c. name uses the placement nearest the transcript's 3' end. VCF-style (leftmost placement, unchanged base first): chr6-139373365-CGCCGCT-C. GRCh37 (hg19) VCF-style: chr6-139694502-CGCCGCT-C.
Other names: c.574_579del, p.Ser192_Gly193del (NM_001168388.3); c.589_594del, p.Ser197_Gly198del (NM_001168389.3); c.589_594del6 (NM_001168389.2).
Identifiers: ClinVar variation 1684895 (VCV001684895.3), dbSNP rs751501072, ClinGen allele CA4025574.

ClinVar aggregate classification (germline): Benign. Review status: criteria provided, single submitter (1 of 4 stars). 2 submissions from 2 submitters: Benign (1). 1 of the submissions does not count toward it. Last evaluated 2022-05-04.

Conditions:
CITED2-related disorder. Also called: CITED2-related condition.

Submissions (2):

Mendelics
Classification: Benign. Last evaluated: 2022-05-04. Review status: criteria provided, single submitter. Criteria: Mendelics Assertion Criteria 2019. Collection method: clinical testing. Allele origin: germline.

PreventionGenetics, part of Exact Sciences
Classification: Likely benign for CITED2-related condition. Last evaluated: 2019-08-09. Review status: no assertion criteria provided. Collection method: clinical testing. Allele origin: germline. Not counted in ClinVar's aggregate classification.
Comment: This variant is classified as likely benign based on ACMG/AMP sequence variant interpretation guidelines (Richards et al. 2015 PMID: 25741868, with internal and published modifications).